The following is an entry in ClinVar:

NM_014270.5(SLC7A9):c.827C>T (p.Thr276Ile)

Gene: SLC7A9 (solute carrier family 7 member 9; minus strand). Cytogenetic location: 19q13.11.
Variant type: single nucleotide variant.
Coding change: c.827C>T on transcript NM_014270.5 (MANE Select); coding-DNA position 827, C replaced by T.
Protein change: p.Thr276Ile; replaces threonine 276 with isoleucine.
Molecular consequence: missense variant.
Genome position (GRCh38, 1-based): chr19:32,859,887, G>A on the plus strand (C>T on the coding strand, the complement: SLC7A9 is on the minus strand). VCF-style: chr19-32859887-G-A. GRCh37 (hg19) VCF-style: chr19-33350793-G-A.
Other names: c.827C>T, p.Thr276Ile (NM_001126335.2, NM_001243036.2); short protein forms T276I.
Identifiers: ClinVar variation 328751 (VCV000328751.8), dbSNP rs886054328, ClinGen allele CA10651739.

ClinVar aggregate classification (germline): Uncertain significance. Review status: criteria provided, multiple submitters, no conflicts (2 of 4 stars). 2 submissions from 2 submitters: Uncertain significance (2). Last evaluated 2023-09-22.

Conditions:
Cystinuria (CSNU). Also called: Cystinuria, non-type I; CYSTINURIA, TYPE I; CYSTINURIA, TYPE II; CYSTINURIA, TYPE III. Identifiers: Orphanet 214, MedGen C0010691, MONDO:0009067, OMIM 220100, HP:0003131.

Allele frequency attached by ClinVar (database versions not stated): gnomAD exomes 0.00002; TOPMed 0.00002; gnomAD 0.00003.

Submissions (2):

Labcorp Genetics (formerly Invitae), Labcorp
Classification: Uncertain significance. Last evaluated: 2023-09-22. Review status: criteria provided, single submitter. Criteria: Invitae Variant Classification Sherloc (09022015). Collection method: clinical testing. Allele origin: germline.
Comment: In summary, the available evidence is currently insufficient to determine the role of this variant in disease. Therefore, it has been classified as a Variant of Uncertain Significance. Advanced modeling of protein sequence and biophysical properties (such as structural, functional, and spatial information, amino acid conservation, physicochemical variation, residue mobility, and thermodynamic stability) performed at Invitae indicates that this missense variant is not expected to disrupt SLC7A9 protein function. ClinVar contains an entry for this variant (Variation ID: 328751). This variant has not been reported in the literature in individuals affected with SLC7A9-related conditions. This variant is not present in population databases (gnomAD no frequency). This sequence change replaces threonine, which is neutral and polar, with isoleucine, which is neutral and non-polar, at codon 276 of the SLC7A9 protein (p.Thr276Ile).

Illumina Laboratory Services, Illumina
Classification: Uncertain significance for Cystinuria. Last evaluated: 2018-01-13. Review status: criteria provided, single submitter. Criteria: ICSL Variant Classification Criteria 13 December 2019. Collection method: clinical testing. Allele origin: germline.